The following is an entry in ClinVar:

ClinVar aggregate classification (germline): Uncertain significance. Review status: criteria provided, multiple submitters, no conflicts (2 of 4 stars). 2 submissions from 2 submitters: Uncertain significance (2). Last evaluated 2025-06-01.

Conditions:
Inborn genetic diseases. Identifiers: MedGen C0950123, MeSH D030342.

Allele frequency attached by ClinVar (database versions not stated): gnomAD 0.00001; gnomAD exomes 0.00001; TOPMed 0.00001.
gnomAD v4.1: 23 of 1,612,286 alleles (0.0014%); highest among the groups gnomAD compares: Non-Finnish European, 0.0019%; no homozygotes.

Submissions (2):

CeGaT Center for Human Genetics Tuebingen
Classification: Uncertain significance. Last evaluated: 2025-06-01. Review status: criteria provided, single submitter. Criteria: CeGaT Center For Human Genetics Tuebingen Variant Classification Criteria Version 2. Collection method: clinical testing. Allele origin: germline. Affected: yes. Observed: 1 variant allele.
Comment: EPRS1: PM2

Ambry Genetics
Classification: Uncertain significance for Inborn genetic diseases. Last evaluated: 2023-08-18. Review status: criteria provided, single submitter. Criteria: Ambry Variant Classification Scheme 2023. Collection method: clinical testing. Allele origin: germline.

NM_004446.3(EPRS1):c.4130G>A (p.Cys1377Tyr)

Gene: EPRS1 (glutamyl-prolyl-tRNA synthetase 1; minus strand). Cytogenetic location: 1q41.
Variant type: single nucleotide variant.
Coding change: c.4130G>A on transcript NM_004446.3 (MANE Select); coding-DNA position 4130, G replaced by A.
Protein change: p.Cys1377Tyr; replaces cysteine 1377 with tyrosine.
Molecular consequence: missense variant.
Genome position (GRCh38, 1-based): chr1:219,973,352, C>T on the plus strand (G>A on the coding strand, the complement: EPRS1 is on the minus strand). VCF-style: chr1-219973352-C-T. GRCh37 (hg19) VCF-style: chr1-220146694-C-T.
Other names: short protein forms C1377Y.
Identifiers: ClinVar variation 2599974 (VCV002599974.12), dbSNP rs763601070, ClinGen allele CA344627419.